The following is an entry in ClinVar:

ClinVar aggregate classification (germline): Uncertain significance. Review status: criteria provided, multiple submitters, no conflicts (2 of 4 stars). 2 submissions from 2 submitters: Uncertain significance (2). Last evaluated 2026-04-02.

Conditions:
LRP6-related disorder. Also called: LRP6-related condition.

Allele frequency attached by ClinVar (database versions not stated): gnomAD exomes below 0.00001; TOPMed below 0.00001; ExAC 0.00001.
gnomAD v4.1: 2 of 1,614,192 alleles (0.00012%); highest among the groups gnomAD compares: Non-Finnish European, 0.00017%; no homozygotes.

Submissions (2):

PreventionGenetics, part of Exact Sciences
Classification: Uncertain significance for LRP6-related condition. Last evaluated: 2026-04-02. Review status: criteria provided, single submitter. Criteria: ACMG Guidelines, 2015. Collection method: clinical testing. Allele origin: germline.
Comment: The LRP6 c.3329A>G variant is predicted to result in the amino acid substitution p.Asp1110Gly. To our knowledge, this variant has not been reported in the literature. This variant is reported in 0.00088% of alleles in individuals of European (non-Finnish) descent in gnomAD. At this time, the clinical significance of this variant is uncertain due to the absence of conclusive functional and genetic evidence.

Labcorp Genetics (formerly Invitae), Labcorp
Classification: Uncertain significance. Last evaluated: 2022-07-30. Review status: criteria provided, single submitter. Criteria: Invitae Variant Classification Sherloc (09022015). Collection method: clinical testing. Allele origin: germline.
Comment: In summary, the available evidence is currently insufficient to determine the role of this variant in disease. Therefore, it has been classified as a Variant of Uncertain Significance. Algorithms developed to predict the effect of missense changes on protein structure and function (SIFT, PolyPhen-2, Align-GVGD) all suggest that this variant is likely to be disruptive. This variant has not been reported in the literature in individuals affected with LRP6-related conditions. This variant is present in population databases (rs767342323, gnomAD 0.0009%). This sequence change replaces aspartic acid, which is acidic and polar, with glycine, which is neutral and non-polar, at codon 1110 of the LRP6 protein (p.Asp1110Gly).

NM_002336.3(LRP6):c.3329A>G (p.Asp1110Gly)

Gene: LRP6 (LDL receptor related protein 6; minus strand). Cytogenetic location: 12p13.2.
Variant type: single nucleotide variant.
Coding change: c.3329A>G on transcript NM_002336.3 (MANE Select); coding-DNA position 3329, A replaced by G.
Protein change: p.Asp1110Gly; replaces aspartic acid 1110 with glycine.
Molecular consequence: missense variant.
Genome position (GRCh38, 1-based): chr12:12,147,434, T>C on the plus strand (A>G on the coding strand, the complement: LRP6 is on the minus strand). VCF-style: chr12-12147434-T-C. GRCh37 (hg19) VCF-style: chr12-12300368-T-C.
Other names: c.3329A>G, p.Asp1110Gly (NM_001414244.1, NM_001414245.1, NM_001414246.1 and 4 more transcripts); c.3131A>G, p.Asp1044Gly (NM_001414247.1); c.3329A>G (NM_002336.2); c.2876A>G, p.Asp959Gly (NM_001414252.1, NM_001414253.1, NM_001414254.1); c.2822A>G, p.Asp941Gly (NM_001414255.1); short protein forms D941G, D959G, D1110G, D1044G.
Identifiers: ClinVar variation 1949946 (VCV001949946.6), dbSNP rs767342323, ClinGen allele CA6455273.